The following is an entry in ClinVar:

ClinVar aggregate classification (germline): Conflicting classifications of pathogenicity. Review status: criteria provided, conflicting classifications (1 of 4 stars). 2 submissions from 2 submitters: Uncertain significance (1); Likely benign (1). Last evaluated 2022-04-08.

Conditions:
Inborn genetic diseases. Identifiers: MedGen C0950123, MeSH D030342.

Allele frequency attached by ClinVar (database versions not stated): TOPMed 0.00002.
gnomAD v4.1: 8 of 1,612,944 alleles (0.0005%); highest among the groups gnomAD compares: African/African-American, 0.0013%; no homozygotes.

Submissions (2):

Ambry Genetics
Classification: Likely benign for Inborn genetic diseases. Last evaluated: 2022-04-08. Review status: criteria provided, single submitter. Criteria: Ambry Variant Classification Scheme 2023. Collection method: clinical testing. Allele origin: germline.

Labcorp Genetics (formerly Invitae), Labcorp
Classification: Uncertain significance. Last evaluated: 2022-02-03. Review status: criteria provided, single submitter. Criteria: Invitae Variant Classification Sherloc (09022015). Collection method: clinical testing. Allele origin: germline.
Comment: This sequence change replaces glycine, which is neutral and non-polar, with arginine, which is basic and polar, at codon 52 of the NEU1 protein (p.Gly52Arg). This variant is present in population databases (no rsID available, gnomAD 0.0009%). This variant has not been reported in the literature in individuals affected with NEU1-related conditions. ClinVar contains an entry for this variant (Variation ID: 1005044). Algorithms developed to predict the effect of missense changes on protein structure and function output the following: SIFT: "Tolerated"; PolyPhen-2: "Benign"; Align-GVGD: "Class C0". The arginine amino acid residue is found in multiple mammalian species, which suggests that this missense change does not adversely affect protein function. In summary, the available evidence is currently insufficient to determine the role of this variant in disease. Therefore, it has been classified as a Variant of Uncertain Significance.

NM_000434.4(NEU1):c.154G>C (p.Gly52Arg)

Gene: NEU1 (neuraminidase 1; minus strand). Cytogenetic location: 6p21.33.
Variant type: single nucleotide variant.
Coding change: c.154G>C on transcript NM_000434.4 (MANE Select); coding-DNA position 154, G replaced by C.
Protein change: p.Gly52Arg; replaces glycine 52 with arginine.
Molecular consequence: missense variant.
Genome position (GRCh38, 1-based): chr6:31,862,623, C>G on the plus strand (G>C on the coding strand, the complement: NEU1 is on the minus strand). VCF-style: chr6-31862623-C-G. GRCh37 (hg19) VCF-style: chr6-31830400-C-G.
Other names: c.154G>C (NM_000434.3); short protein forms G52R.
Identifiers: ClinVar variation 1005044 (VCV001005044.6), dbSNP rs762865001, ClinGen allele CA363498068.